The following is an entry in ClinVar:

ClinVar aggregate classification (germline): Likely pathogenic (1 of 4 stars; one submission).

Conditions:
GTP cyclohydrolase I deficiency with hyperphenylalaninemia (HPABH4B). Also called: HYPERPHENYLALANINEMIA, BH4-DEFICIENT, B; HYPERPHENYLALANINEMIA, TETRAHYDROBIOPTERIN-DEFICIENT, DUE TO GTP CYCLOHYDROLASE I DEFICIENCY; Hyperphenylalaninemia, tetrahydrobiopterin-deficient, due to GTP cyclohydrolase 1 deficiency. Identifiers: Orphanet 2102, Orphanet 238583, MedGen CN305333, MONDO:0100186, OMIM 233910.
Dystonia 5 (DRD). Also called: DYSTONIA, PROGRESSIVE, WITH DIURNAL VARIATION; DYSTONIA-PARKINSONISM WITH DIURNAL FLUCTUATION; GTP Cyclohydrolase 1-Deficient Dopa-Responsive Dystonia; DYT-GCH1; Dystonia, DOPA-responsive, with or without hyperphenylalaninemia. Identifiers: Orphanet 98808, MedGen C1851920, MONDO:0007495, OMIM 128230.

Submission:

Juno Genomics, Hangzhou Juno Genomics, Inc
Classification: Likely pathogenic for Dystonia 5; GTP cyclohydrolase I deficiency with hyperphenylalaninemia. Review status: criteria provided, single submitter. Criteria: ACMG Guidelines, 2015. Collection method: clinical testing. Allele origin: germline.
Comment: Null variant in a gene where loss of function (LOF) is a known mechanism of disease.;Absent from controls (or at extremely low frequency if recessive) in Genome Aggregation Database.

NM_000161.3(GCH1):c.322_323del (p.Gly108fs)

Gene: GCH1 (GTP cyclohydrolase 1; minus strand). Cytogenetic location: 14q22.2.
Variant type: Deletion.
Coding change: c.322_323del on transcript NM_000161.3 (MANE Select); coding-DNA positions 322 to 323, 2 bases deleted (GG; older notation c.322_323delGG).
Protein change: p.Gly108fs; shifts the reading frame from glycine 108.
Molecular consequence: frameshift variant.
Genome position (GRCh38, 1-based): chr14:54,902,341-54,902,342, CC deleted on the plus strand (GG on the coding strand, the reverse complement: GCH1 is on the minus strand); deleting any 2 consecutive bases within chr14:54,902,341-54,902,343 gives the same sequence; the c. name uses the placement nearest the transcript's 3' end. VCF-style (leftmost placement, unchanged base first): chr14-54902340-GCC-G. GRCh37 (hg19) VCF-style: chr14-55369058-GCC-G.
Other names: c.322_323del, p.Gly108fs (NM_001024024.2, NM_001024070.2, NM_001024071.2 and 1 more transcripts); short protein forms G108fs.
Identifiers: ClinVar variation 5005326 (VCV005005326.2).
Genomic context (GRCh38, chr14:54,902,340, plus strand): 5'-CCCGCCGCCCGCACGCTCTAGCAGCCCGCGGGCGCACTGACCTGAGATGGTCTCCTGGTA[GCC>G]CTTGGTGAAGAACTGCATGGCCGAGGCCGCCCTCCAGGGCGTCTTGAGCAGCCCTTGCCG-3'